The following is an entry in ClinVar:

NM_005359.6(SMAD4):c.987T>G (p.Phe329Leu)

Gene: SMAD4 (SMAD family member 4; plus strand). Cytogenetic location: 18q21.2.
Variant type: single nucleotide variant.
Coding change: c.987T>G on transcript NM_005359.6 (MANE Select); coding-DNA position 987, T replaced by G.
Protein change: p.Phe329Leu; replaces phenylalanine 329 with leucine.
Molecular consequence: missense variant. On other transcripts: non-coding transcript variant (2).
Genome position (GRCh38, 1-based): chr18:51,065,454, T>G. VCF-style: chr18-51065454-T-G. GRCh37 (hg19) VCF-style: chr18-48591824-T-G.
Other names: c.987T>G, p.Phe329Leu (NM_001407041.1, NM_001407042.1, NM_001407043.1); short protein forms F329L.
Identifiers: ClinVar variation 4281832 (VCV004281832.2).

ClinVar aggregate classification (germline): Uncertain significance. Review status: criteria provided, multiple submitters, no conflicts (2 of 4 stars). 2 submissions from 2 submitters: Uncertain significance (2). Last evaluated 2026-06-20.

Conditions:
Familial thoracic aortic aneurysm and aortic dissection (TAAD). Also called: Thoracic aortic aneurysms and dissections. Identifiers: Orphanet 91387, MedGen C4707243, MONDO:0019625.
Hereditary cancer-predisposing syndrome. Also called: Neoplastic Syndromes, Hereditary; Tumor predisposition; Hereditary Cancer Syndrome; Hereditary neoplastic syndrome. Identifiers: Orphanet 140162, MedGen C0027672, MeSH D009386, MONDO:0015356.

gnomAD v4.1: 1 of 1,613,996 alleles (0.000062%); highest among the groups gnomAD compares: South Asian, 0.0011%; no homozygotes.

Submissions (2):

Ambry Genetics
Classification: Uncertain significance for Hereditary cancer-predisposing syndrome; Familial thoracic aortic aneurysm and aortic dissection. Last evaluated: 2026-06-20. Review status: criteria provided, single submitter. Criteria: Ambry Variant Classification Scheme 2023. Collection method: clinical testing. Allele origin: germline.
Comment: The p.F329L variant (also known as c.987T>G), located in coding exon 8 of the SMAD4 gene, results from a T to G substitution at nucleotide position 987. The phenylalanine at codon 329 is replaced by leucine, an amino acid with highly similar properties. This amino acid position is conserved. In addition, this alteration is predicted to be deleterious by in silico analysis. Based on the available evidence, the clinical significance of this variant remains unclear.

GeneDx
Classification: Uncertain significance. Last evaluated: 2025-04-09. Review status: criteria provided, single submitter. Criteria: GeneDx Variant Classification Process June 2021. Collection method: clinical testing. Allele origin: germline. Affected: yes.
Comment: Not observed at significant frequency in large population cohorts (gnomAD); In silico analysis supports that this missense variant has a deleterious effect on protein structure/function; Has not been previously published as pathogenic or benign to our knowledge; This variant is associated with the following publications: (PMID: 15235019, 17873119, 18823382)